The following is an entry in ClinVar:

NM_001348323.3(TRIP12):c.1902T>A (p.Ala634=)

Gene: TRIP12 (thyroid hormone receptor interactor 12; minus strand). Cytogenetic location: 2q36.3.
Variant type: single nucleotide variant.
Coding change: c.1902T>A on transcript NM_001348323.3 (MANE Select); coding-DNA position 1902, T replaced by A.
Protein change: p.Ala634=; no amino-acid change (alanine 634 retained).
Molecular consequence: synonymous variant.
Genome position (GRCh38, 1-based): chr2:229,813,954, A>T on the plus strand (T>A on the coding strand, the complement: TRIP12 is on the minus strand). VCF-style: chr2-229813954-A-T. GRCh37 (hg19) VCF-style: chr2-230678670-A-T.
Other names: c.1902T>A, p.Ala634= (NM_001284214.2, NM_001348315.2, NM_001348319.1 and 11 more transcripts); c.1776T>A, p.Ala592= (NM_001284215.2, NM_001348316.2, NM_001348317.1 and 2 more transcripts); c.867T>A, p.Ala289= (NM_001284216.2); c.1815T>A, p.Ala605= (NM_001348332.1); c.1758T>A, p.Ala586= (NM_004238.3).
Identifiers: ClinVar variation 4874362 (VCV004874362.2).

ClinVar aggregate classification (germline): Likely benign (1 of 4 stars; one submission).

Submission:

CeGaT Center for Human Genetics Tuebingen
Classification: Likely benign. Last evaluated: 2026-04-01. Review status: criteria provided, single submitter. Criteria: CeGaT Center For Human Genetics Tuebingen Variant Classification Criteria Version 2. Collection method: clinical testing. Allele origin: germline. Affected: yes. Observed: 1 variant allele.
Comment: TRIP12: PM2:Supporting, BP4, BP7